The following is an entry in ClinVar:

NM_014208.3(DSPP):c.2214C>T (p.Ser738=)

Genes: DMP1-AS1 (DMP1 and DSPP antisense RNA 1; minus strand), DSPP (dentin sialophosphoprotein; plus strand). Cytogenetic location: 4q22.1.
Variant type: single nucleotide variant.
Coding change: c.2214C>T on transcript NM_014208.3 (MANE Select); coding-DNA position 2214, C replaced by T.
Protein change: p.Ser738=; no amino-acid change (serine 738 retained).
Molecular consequence: synonymous variant.
Genome position (GRCh38, 1-based): chr4:87,614,876, C>T. VCF-style: chr4-87614876-C-T. GRCh37 (hg19) VCF-style: chr4-88536028-C-T.
Identifiers: ClinVar variation 3024725 (VCV003024725.22), dbSNP rs1012038833, ClinGen allele CA100854297.

ClinVar aggregate classification (germline): Likely benign (1 of 4 stars; one submission).

Submission:

CeGaT Center for Human Genetics Tuebingen
Classification: Likely benign. Last evaluated: 2024-01-01. Review status: criteria provided, single submitter. Criteria: CeGaT Center For Human Genetics Tuebingen Variant Classification Criteria Version 2. Collection method: clinical testing. Allele origin: germline. Affected: yes. Observed: 1 variant allele.
Comment: DSPP: BP4, BP7